The following is an entry in ClinVar:

NM_000384.3(APOB):c.13023C>T (p.Ile4341=)

Gene: APOB (apolipoprotein B; minus strand). Cytogenetic location: 2p24.1.
Variant type: single nucleotide variant.
Coding change: c.13023C>T on transcript NM_000384.3 (MANE Select); coding-DNA position 13023, C replaced by T.
Protein change: p.Ile4341=; no amino-acid change (isoleucine 4341 retained).
Molecular consequence: synonymous variant.
Genome position (GRCh38, 1-based): chr2:21,002,399, G>A on the plus strand (C>T on the coding strand, the complement: APOB is on the minus strand). VCF-style: chr2-21002399-G-A. GRCh37 (hg19) VCF-style: chr2-21225271-G-A.
Other names: c.13023C>T (NM_000384.2).
Identifiers: ClinVar variation 1618011 (VCV001618011.9), dbSNP rs1427161140, ClinGen allele CA425341928.
Genomic context (GRCh38, chr2:21,002,399, plus strand): 5'-TTCATTGAACTTATGAAGATTAAGGCATAGGTTTTCTTTCAACAATTTAAAAACATATGG[G>A]ATATAATCACTGAAGATTGTGTTGATCTCATCTTGGATATAATTAATAAGATAAGTAAAT-3'
Protein context (NP_000375.3, residues 4331-4351): DEINTIFSDY[Ile4341=]PYVFKLLKEN

ClinVar aggregate classification (germline): Likely benign. Review status: criteria provided, multiple submitters, no conflicts (2 of 4 stars). 2 submissions from 2 submitters: Likely benign (2). Last evaluated 2025-09-28.

Conditions:
Familial hypercholesterolemia. Also called: Familial hypercholesterolaemia; Familial hypercholesterolemias. Identifiers: MedGen C0020445, MONDO:0005439.
Hypercholesterolemia, autosomal dominant, type B (FHCL2). Also called: Hyperlipoproteinemia Type IIb; Familial Hypercholesterolemia Type B; APOLIPOPROTEIN B-100, FAMILIAL DEFECTIVE; APOLIPOPROTEIN B-100, FAMILIAL LIGAND-DEFECTIVE; HYPERCHOLESTEROLEMIA, FAMILIAL, DUE TO LIGAND-DEFECTIVE APOLIPOPROTEIN B; APOB-Related Familial Hypercholesterolemia, Autosomal Dominant. Identifiers: MedGen C1704417, MONDO:0007751, OMIM 144010.
Familial hypobetalipoproteinemia 1. Also called: Hypobetalipoproteinemia, normotriglyceridemic; Acanthocytosis with hypobetalipoproteinemia; APOB-Related Familial Hypobetalipoproteinemia. Identifiers: MedGen C4551990, MONDO:0014252, OMIM 615558.

Allele frequency attached by ClinVar (database versions not stated): gnomAD exomes 0.00001; TOPMed 0.00001.
gnomAD v4.1: 9 of 1,602,076 alleles (0.00056%); highest among the groups gnomAD compares: East Asian, 0.0022%; no homozygotes.

Submissions (2):

Labcorp Genetics (formerly Invitae), Labcorp
Classification: Likely benign for Familial hypobetalipoproteinemia 1; Hypercholesterolemia, autosomal dominant, type B. Last evaluated: 2025-09-28. Review status: criteria provided, single submitter. Criteria: Invitae Variant Classification Sherloc (09022015). Collection method: clinical testing. Allele origin: germline.

GENinCode PLC
Classification: Likely benign for Familial hypercholesterolemia. Last evaluated: 2025-01-09. Review status: criteria provided, single submitter. Criteria: ACMG Guidelines, 2015. Collection method: clinical testing. Allele origin: germline.
Comment: This is a synonymous (silent) variant that is not predicted to impact splicing and occurs at a nucleotide which is not highly conserved. This variant has been classified as Likely Benign (BP4, BP7).